The following is an entry in ClinVar:

NM_005359.6(SMAD4):c.1308+10A>G

Gene: SMAD4 (SMAD family member 4; plus strand). Cytogenetic location: 18q21.2.
Variant type: single nucleotide variant.
Coding change: c.1308+10A>G on transcript NM_005359.6 (MANE Select); 10 bases into the intron after coding-DNA position 1308, A replaced by G.
Molecular consequence: intron variant.
Genome position (GRCh38, 1-based): chr18:51,067,197, A>G. VCF-style: chr18-51067197-A-G. GRCh37 (hg19) VCF-style: chr18-48593567-A-G.
Identifiers: ClinVar variation 413432 (VCV000413432.14), dbSNP rs1060504024, ClinGen allele CA16616072.

ClinVar aggregate classification (germline): Likely benign. Review status: criteria provided, multiple submitters, no conflicts (2 of 4 stars). 3 submissions from 3 submitters: Likely benign (3). Last evaluated 2025-08-25.

Conditions:
Juvenile polyposis syndrome (JPS). Identifiers: Orphanet 2929, MedGen C0345893, MONDO:0017380, OMIM 174900.
Hereditary cancer-predisposing syndrome. Also called: Neoplastic Syndromes, Hereditary; Hereditary Cancer Syndrome; Hereditary neoplastic syndrome; Tumor predisposition. Identifiers: Orphanet 140162, MedGen C0027672, MeSH D009386, MONDO:0015356.
Juvenile polyposis/hereditary hemorrhagic telangiectasia syndrome (JPHT). Also called: POLYPOSIS, GENERALIZED JUVENILE, WITH PULMONARY ARTERIOVENOUS MALFORMATION; TELANGIECTASIA, HEREDITARY HEMORRHAGIC, WITH JUVENILE POLYPOSIS COLI; Juvenile Polyposis Syndrome / Hereditary Hemorrhagic Telangiectasia (JPS/HHT); JP/HHT SYNDROME; JUVENILE POLYPOSIS WITH HEREDITARY HEMORRHAGIC TELANGIECTASIA. Identifiers: Orphanet 2929, MedGen C1832942, MONDO:0008278, OMIM 175050.

Allele frequency attached by ClinVar (database versions not stated): gnomAD exomes below 0.00001; TOPMed below 0.00001; gnomAD 0.00001.
gnomAD v4.1: 4 of 1,486,888 alleles (0.00027%); highest among the groups gnomAD compares: Non-Finnish European, 0.00038%; no homozygotes.

Submissions (3):

Labcorp Genetics (formerly Invitae), Labcorp
Classification: Likely benign for Juvenile polyposis syndrome. Last evaluated: 2025-08-25. Review status: criteria provided, single submitter. Criteria: Invitae Variant Classification Sherloc (09022015). Collection method: clinical testing. Allele origin: germline.

Myriad Genetics, Inc.
Classification: Likely benign for Juvenile polyposis/hereditary hemorrhagic telangiectasia syndrome. Last evaluated: 2025-03-21. Review status: criteria provided, single submitter. Criteria: Myriad Autosomal Dominant, Autosomal Recessive and X-Linked Classification Criteria (2023). Collection method: clinical testing. Allele origin: unknown.
Comment: This variant is considered likely benign. This variant is intronic and is not expected to impact mRNA splicing.

Color Diagnostics, LLC DBA Color Health
Classification: Likely benign for Hereditary cancer-predisposing syndrome. Last evaluated: 2017-06-14. Review status: criteria provided, single submitter. Criteria: ACMG Guidelines, 2015. Collection method: clinical testing. Allele origin: germline.